The following continues an entry in ClinVar:

NM_153766.3(KCNJ1):c.601C>T (p.Leu201Phe)

Gene: KCNJ1. ClinVar aggregate classification (germline): Conflicting classifications of pathogenicity. Pathogenic (13); Likely pathogenic (3); Uncertain significance (1).

Submissions 13 to 17 of 17:

Victorian Clinical Genetics Services, Murdoch Childrens Research Institute
Classification: Pathogenic for Bartter disease type 2. Last evaluated: 2022-06-24. Review status: criteria provided, single submitter. Criteria: ACMG Guidelines, 2015. Collection method: clinical testing. Allele origin: germline. Inheritance: Autosomal recessive inheritance. Affected: no.
Comment: Based on the classification scheme VCGS_Germline_v1.3.4, this variant is classified as Pathogenic. Following criteria are met: 0102 - Loss of function is a known mechanism of disease in this gene and is associated with Bartter syndrome, type 2 (MIM#241200). (I) 0106 - This gene is associated with autosomal recessive disease. (I) 0200 - Variant is predicted to result in a missense amino acid change from leucine to phenylalanine. (I) 0251 - This variant is heterozygous. (I) 0304 - Variant is present in gnomAD (v2) <0.01 for a recessive condition (87 heterozygote(s), 1 homozygote). (SP) 0309 - An alternative amino acid change at the same position has been observed in gnomAD (v2) (1 heterozygote, 0 homozygotes). (I) 0502 - Missense variant with conflicting in silico predictions and uninformative conservation. (I) 0600 - Variant is located in the annotated IRK potassium channel domain (DECIPHER). (I) 0801 - This variant has strong previous evidence of pathogenicity in unrelated individuals. This variant has been reported several times as pathogenic, and observed in homozygous and compound heterozygous individuals with Bartter syndrome (ClinVar, PMID: 29942493, PMID: 24659592, PMID: 32997650, PMID: 24400161). (SP) 1002 - This variant has moderate functional evidence supporting abnormal protein function. Xenopus oocytes demonstrating impaired channel activity resulting in the reduction of potassium currents (PMID: 24400161). (SP) 1208 - Inheritance information for this variant is not currently available in this individual. (I) Legend: (SP) - Supporting pathogenic, (I) - Information, (SB) - Supporting benign

3billion
Classification: Pathogenic for Bartter disease type 2. Last evaluated: 2022-05-22. Review status: criteria provided, single submitter. Criteria: ACMG Guidelines, 2015. Collection method: clinical testing. Allele origin: germline. Affected: yes. Observed: 1 homozygote.
Comment: The variant is observed at an extremely low frequency in the gnomAD v2.1.1 dataset (total allele frequency: 0.036%). Missense changes are a common disease-causing mechanism. In silico tool predictions suggest damaging effect of the variant on gene or gene product (REVEL: 0.69; 3Cnet: 0.07). Same nucleotide change resulting in same amino acid change has been previously reported as pathogenic/likely pathogenic with strong evidence (ClinVar ID: VCV000872043). A different missense change at the same codon (p.Leu201Arg) has been reported to be associated with KCNJ1 related disorder (ClinVar ID: VCV000870375 / PMID: 32573669). Therefore, this variant is classified as pathogenic according to the recommendation of ACMG/AMP guideline.

CeGaT Center for Human Genetics Tuebingen
Classification: Pathogenic. Last evaluated: 2021-10-01. Review status: criteria provided, single submitter. Criteria: CeGaT Center For Human Genetics Tuebingen Variant Classification Criteria Version 2. Collection method: clinical testing. Allele origin: germline. Affected: yes. Observed: 4 variant alleles.

Genetics and Genomic Medicine Centre, NeuroGen Healthcare, NeuroGen Healthcare
Classification: Pathogenic for Bartter disease type 2. Last evaluated: 2021-09-19. Review status: criteria provided, single submitter. Criteria: Submitter's publication. Collection method: clinical testing. Allele origin: unknown. Affected: no.

Neuberg Centre For Genomic Medicine, NCGM
Classification: Pathogenic for Bartter disease type 2. Review status: criteria provided, single submitter. Criteria: ACMG Guidelines, 2015. Collection method: clinical testing. Allele origin: germline. Inheritance: Autosomal recessive inheritance. Affected: yes.
Comment: The observed missense variant c.601C>Tp.Leu201Phe in KCNJ1 gene has been reported previously in individuals with clinicalfeatures of Bartter syndrome. Experimental studies have shown that this missense change affects KCNJ1 function Walsh PR, et al.,2018; Sharma PK, et al., 2014; Srivastava S, et al., 2013. This variant is reported with the allele frequency 0.04% in the gnomADExomes. This variant has been reported to the ClinVar database as Pathogenic/Likely Pathogenic/Uncertain Significance. Theamino acid Leu at position 201 is changed to a Phe changing protein sequence and it might alter its composition and physico-chemical properties. Multiple lines of computational evidence Polyphen - Possibly damaging, SIFT – Damaging andMutationTaster - Disease causing predict a damaging effect on protein structure and function for this variant. The residue isconserved by GERP++ and PhyloP across 100 vertebrates. For these reasons, this variant has been classified as Pathogenic.

Literature cited by the submitters: PubMed 9502574 (cited by 3 submitters); PubMed 10611379 (cited by Labcorp Genetics (formerly Invitae), Labcorp); PubMed 24400161 (cited by 4 submitters); PubMed 24659592 (cited by 4 submitters); PubMed 24696311 (cited by Labcorp Genetics (formerly Invitae), Labcorp and Women's Health and Genetics/Laboratory Corporation of America, LabCorp); PubMed 29942493 (cited by Labcorp Genetics (formerly Invitae), Labcorp and Victorian Clinical Genetics Services, Murdoch Childrens Research Institute); PubMed 12911542 (cited by Labcorp Genetics (formerly Invitae), Labcorp); PubMed 10878442 (cited by Rare Kidney Stone Consortium and the Mayo Clinic Hyperoxaluria Center, Mayo Clinic and Women's Health and Genetics/Laboratory Corporation of America, LabCorp); PubMed 32997650 (cited by 3 submitters); PubMed 32939031 (cited by Rare Kidney Stone Consortium and the Mayo Clinic Hyperoxaluria Center, Mayo Clinic and Women's Health and Genetics/Laboratory Corporation of America, LabCorp); PubMed 34426522 (cited by Rare Kidney Stone Consortium and the Mayo Clinic Hyperoxaluria Center, Mayo Clinic); PubMed 35195872 (cited by Rare Kidney Stone Consortium and the Mayo Clinic Hyperoxaluria Center, Mayo Clinic); PubMed 36964972 (cited by Rare Kidney Stone Consortium and the Mayo Clinic Hyperoxaluria Center, Mayo Clinic); PubMed 37956218 (cited by Rare Kidney Stone Consortium and the Mayo Clinic Hyperoxaluria Center, Mayo Clinic); PubMed 37464296 (cited by Rare Kidney Stone Consortium and the Mayo Clinic Hyperoxaluria Center, Mayo Clinic); PubMed 38605122 (cited by Rare Kidney Stone Consortium and the Mayo Clinic Hyperoxaluria Center, Mayo Clinic); PubMed 40794449 (cited by Rare Kidney Stone Consortium and the Mayo Clinic Hyperoxaluria Center, Mayo Clinic); PubMed 32573669 (cited by 3billion).